The following is an entry in ClinVar:

NM_000110.4(DPYD):c.2950G>A (p.Asp984Asn)

Gene: DPYD (dihydropyrimidine dehydrogenase; minus strand). Cytogenetic location: 1p21.3.
Variant type: single nucleotide variant.
Coding change: c.2950G>A on transcript NM_000110.4 (MANE Select); coding-DNA position 2950, G replaced by A.
Protein change: p.Asp984Asn; replaces aspartic acid 984 with asparagine.
Molecular consequence: missense variant.
Genome position (GRCh38, 1-based): chr1:97,079,104, C>T on the plus strand (G>A on the coding strand, the complement: DPYD is on the minus strand). VCF-style: chr1-97079104-C-T. GRCh37 (hg19) VCF-style: chr1-97544660-C-T.
Other names: short protein forms D984N.
Identifiers: ClinVar variation 1798056 (VCV001798056.2), dbSNP rs760235888, ClinGen allele CA962892.

ClinVar aggregate classification (germline): Uncertain significance (1 of 4 stars; one submission).

Conditions:
Inborn genetic diseases. Identifiers: MedGen C0950123, MeSH D030342.

Allele frequency attached by ClinVar (database versions not stated): gnomAD exomes below 0.00001; ExAC 0.00001; TOPMed 0.00001.
gnomAD v4.1: 4 of 1,613,610 alleles (0.00025%); highest among the groups gnomAD compares: South Asian, 0.0011%; no homozygotes.

Submission:

Ambry Genetics
Classification: Uncertain significance for Inborn genetic diseases. Last evaluated: 2021-07-07. Review status: criteria provided, single submitter. Criteria: Ambry Variant Classification Scheme 2023. Collection method: clinical testing. Allele origin: germline.
Comment: The p.D984N variant (also known as c.2950G>A), located in coding exon 23 of the DPYD gene, results from a G to A substitution at nucleotide position 2950. The aspartic acid at codon 984 is replaced by asparagine, an amino acid with highly similar properties. This amino acid position is conserved. In addition, this alteration is predicted to be tolerated by in silico analysis. Since supporting evidence is limited at this time, the clinical significance of this alteration remains unclear.